The following is an entry in ClinVar:

ClinVar aggregate classification (germline): Benign/Likely benign. Review status: criteria provided, multiple submitters, no conflicts (2 of 4 stars). 4 submissions from 4 submitters: Benign (1); Likely benign (3). Last evaluated 2026-03-20.

Conditions:
Cardiovascular phenotype. Identifiers: MedGen CN230736.
Dilated cardiomyopathy 1M (CMD1M). Identifiers: Orphanet 154, MedGen C1843808, MONDO:0011840, OMIM 607482.
Hypertrophic cardiomyopathy 12. Identifiers: MedGen C2677491, MONDO:0012804, OMIM 612124.
CSRP3-related disorder. Also called: CSRP3-related condition; CSRP3-related disorders.

Allele frequency attached by ClinVar (database versions not stated): gnomAD 0.00003; gnomAD exomes 0.00004; TOPMed 0.00004; ExAC 0.00002.

Submissions (4):

PreventionGenetics, part of Exact Sciences
Classification: Likely benign for CSRP3-related condition. Last evaluated: 2026-03-20. Review status: criteria provided, single submitter. Criteria: ACMG Guidelines, 2015. Collection method: clinical testing. Allele origin: germline.
Comment: This variant is classified as likely benign based on ACMG/AMP sequence variant interpretation guidelines (Richards et al. 2015 PMID: 25741868, with internal and published modifications).

Labcorp Genetics (formerly Invitae), Labcorp
Classification: Benign for Hypertrophic cardiomyopathy 12; Dilated cardiomyopathy 1M. Last evaluated: 2025-12-06. Review status: criteria provided, single submitter. Criteria: Invitae Variant Classification Sherloc (09022015). Collection method: clinical testing. Allele origin: germline.

Women's Health and Genetics/Laboratory Corporation of America, LabCorp
Classification: Likely benign. Last evaluated: 2024-01-08. Review status: criteria provided, single submitter. Criteria: LabCorp Variant Classification Summary - May 2015. Collection method: clinical testing. Allele origin: germline.

Ambry Genetics
Classification: Likely benign for Cardiovascular phenotype. Last evaluated: 2023-10-23. Review status: criteria provided, single submitter. Criteria: Ambry Variant Classification Scheme 2023. Collection method: clinical testing. Allele origin: germline.

NM_003476.5(CSRP3):c.327A>G (p.Lys109=)

Gene: CSRP3 (cysteine and glycine rich protein 3; minus strand). Cytogenetic location: 11p15.1.
Variant type: single nucleotide variant.
Coding change: c.327A>G on transcript NM_003476.5 (MANE Select); coding-DNA position 327, A replaced by G.
Protein change: p.Lys109=; no amino-acid change (lysine 109 retained).
Molecular consequence: synonymous variant. On other transcripts: missense variant (1).
Genome position (GRCh38, 1-based): chr11:19,186,303, T>C on the plus strand (A>G on the coding strand, the complement: CSRP3 is on the minus strand). VCF-style: chr11-19186303-T-C. GRCh37 (hg19) VCF-style: chr11-19207850-T-C.
Other names: c.327A>G (NM_003476.4, NM_003476.3); c.158A>G, p.Asn53Ser (NM_001369404.1); short protein forms N53S.
Identifiers: ClinVar variation 1166022 (VCV001166022.12), dbSNP rs778512127, ClinGen allele CA5916571.